The following is an entry in ClinVar:

NM_001458.5(FLNC):c.4172C>A (p.Ser1391Ter)

Gene: FLNC (filamin C; plus strand). Cytogenetic location: 7q32.1.
Variant type: single nucleotide variant.
Coding change: c.4172C>A on transcript NM_001458.5 (MANE Select); coding-DNA position 4172, C replaced by A.
Protein change: p.Ser1391Ter; replaces serine 1391 with a stop codon.
Molecular consequence: nonsense.
Genome position (GRCh38, 1-based): chr7:128,846,789, C>A. VCF-style: chr7-128846789-C-A. GRCh37 (hg19) VCF-style: chr7-128486843-C-A.
Other names: c.4172C>A, p.Ser1391Ter (NM_001127487.2); short protein forms S1391*.
Identifiers: ClinVar variation 2574073 (VCV002574073.1), dbSNP rs755832014, ClinGen allele CA369200496.

ClinVar aggregate classification (germline): Likely pathogenic (0 of 4 stars; one submission).

Conditions:
Hypertrophic cardiomyopathy 26. Also called: Cardiomyopathy, familial hypertrophic, 26. Identifiers: Orphanet 75249, MedGen C4310749, MONDO:0014883, OMIM 617047.

Submission:

deCODE genetics, Amgen
Classification: Likely pathogenic for Hypertrophic cardiomyopathy 26. Last evaluated: 2023-07-21. Review status: no assertion criteria provided. Collection method: research. Allele origin: germline. Affected: yes. Observed: 1 variant allele.
Comment: The variant NM_001458.5:c.4172C>A (chr7:128846789) in FLNC was detected in 1 heterozygote out of 58K WGS Icelanders (MAF= 0,001%). This variant has not been reported in ClinVar previously. Based on ACMG criteria (PVS1, PM2) this variant classifies as likely pathogenic.